The following is an entry in ClinVar:

ClinVar aggregate classification (germline): Likely pathogenic. Review status: criteria provided, multiple submitters, no conflicts (2 of 4 stars). 2 submissions from 2 submitters: Likely pathogenic (2). Last evaluated 2026-07-01.

Conditions:
Coffin-Siris syndrome 1 (CSS1). Also called: ARID1B-Related Coffin-Siris Syndrome; Mental retardation, autosomal dominant 12. Identifiers: Orphanet 1465, MedGen C3281201, MONDO:0007617, OMIM 135900. Disease mechanism: gain of function.

Submissions (2):

CeGaT Center for Human Genetics Tuebingen
Classification: Likely pathogenic. Last evaluated: 2026-07-01. Review status: criteria provided, single submitter. Criteria: CeGaT Center For Human Genetics Tuebingen Variant Classification Criteria Version 2. Collection method: clinical testing. Allele origin: germline. Affected: yes. Observed: 1 variant allele.
Comment: ARID1B: PM2, PS2:Moderate, PP3, PS4:Supporting

Victorian Clinical Genetics Services, Murdoch Childrens Research Institute
Classification: Likely pathogenic for Coffin-Siris syndrome 1. Last evaluated: 2022-02-02. Review status: criteria provided, single submitter. Criteria: ACMG Guidelines, 2015. Collection method: clinical testing. Allele origin: germline. Inheritance: Autosomal dominant inheritance. Affected: yes.
Comment: Based on the classification scheme VCGS_Germline_v1.3.4, this variant is classified as likely pathogenic. Following criteria are met: 0107 - This gene is associated with autosomal dominant disease. (I) 0115 - Variants in this gene are known to have variable expressivity (PMID: 33768696). (I) 0200 - Variant is predicted to result in a missense amino acid change from glycine to arginine. However, this variant is also located near an intron-exon junction and may have an effect on splicing. (I) 0251 - This variant is heterozygous. (I) 0301 - Variant is absent from gnomAD (both v2 and v3). (SP) 0501 - Missense variant consistently predicted to be damaging by multiple in silico tools or highly conserved with a major amino acid change. Additionally, splice in silicos predict the loss of the donor site. (SP) 0604 - Variant is not located in an established domain, motif, hotspot or informative constraint region. (I) 0710 - Another missense variant comparable to the one identified in this case has inconclusive previous evidence for pathogenicity. This alternative change (p.(Gly761Ser)) has been reported in an individual with features including developmental delay and Chiari 1 malformation, but had an additional inherited splice variant in the FGFR3 gene (PMID: 28252636). (I) 0807 - This variant has no previous evidence of pathogenicity. (I) 0905 - No published segregation evidence has been identified for this variant. (I) 1007 - No published functional evidence has been identified for this variant. (SP) Legend: (SP) - Supporting pathogenic, (I) - Information, (SB) - Supporting benign

Literature cited by the submitters: PubMed 28252636 (cited by Victorian Clinical Genetics Services, Murdoch Childrens Research Institute); PubMed 33768696 (cited by Victorian Clinical Genetics Services, Murdoch Childrens Research Institute).

NM_001374828.1(ARID1B):c.2491G>C (p.Gly831Arg)

Gene: ARID1B (AT-rich interaction domain 1B; plus strand). Cytogenetic location: 6q25.3.
Variant type: single nucleotide variant.
Coding change: c.2491G>C on transcript NM_001374828.1 (MANE Select); coding-DNA position 2491, G replaced by C.
Protein change: p.Gly831Arg; replaces glycine 831 with arginine.
Molecular consequence: missense variant. On other transcripts: 5 prime UTR variant (1).
Genome position (GRCh38, 1-based): chr6:157,084,905, G>C. VCF-style: chr6-157084905-G-C. GRCh37 (hg19) VCF-style: chr6-157406039-G-C.
Other names: c.2242G>C, p.Gly748Arg (NM_001346813.1); c.-9G>C (NM_001363725.2); c.2530G>C, p.Gly844Arg (NM_001371656.1, NM_001374820.1); c.2491G>C, p.Gly831Arg (NM_017519.3); c.2281G>C, p.Gly761Arg (NM_020732.3); c.2068G>C, p.Gly690Arg (NM_175863.2); short protein forms G690R, G748R, G761R, G831R, G844R.
Identifiers: ClinVar variation 2500746 (VCV002500746.3), dbSNP rs2128463505, ClinGen allele CA366387497.